The following is an entry in ClinVar:

NM_000232.5(SGCB):c.443A>G (p.Gln148Arg)

Gene: SGCB (sarcoglycan beta; minus strand). Cytogenetic location: 4q12.
Variant type: single nucleotide variant.
Coding change: c.443A>G on transcript NM_000232.5 (MANE Select); coding-DNA position 443, A replaced by G.
Protein change: p.Gln148Arg; replaces glutamine 148 with arginine.
Molecular consequence: missense variant.
Genome position (GRCh38, 1-based): chr4:52,028,908, T>C on the plus strand (A>G on the coding strand, the complement: SGCB is on the minus strand). VCF-style: chr4-52028908-T-C. GRCh37 (hg19) VCF-style: chr4-52895074-T-C.
Other names: short protein forms Q148R.
Identifiers: ClinVar variation 1376675 (VCV001376675.5), dbSNP rs201006370, ClinGen allele CA2918386.
Genomic context (GRCh38, chr4:52,028,908, plus strand): 5'-ATGCCGATGTCACTTGTAATAGAAGTTTTGTTGTTTTCTACACTGAGCTTTGTTGTCCCT[T>C]GCTGAAAAACAATCTTCAAAAAAAACAGTTTATTGTGAATATATTTTCAAAGAAGACTGC-3'
Protein context (NP_000223.1, residues 138-158): TGNNQPIVFQ[Gln148Arg]GTTKLSVENN

ClinVar aggregate classification (germline): Uncertain significance (1 of 4 stars; one submission).

Conditions:
Autosomal recessive limb-girdle muscular dystrophy type 2E (LGMDR4). Also called: MUSCULAR DYSTROPHY, LIMB-GIRDLE, AUTOSOMAL RECESSIVE 4. Identifiers: Orphanet 119, MedGen C1858593, MONDO:0011423, OMIM 604286. Disease mechanism: Affects gamma-sarcoglycan and also disrupts the integrity of the entire sarcoglycan complex..

Allele frequency attached by ClinVar (database versions not stated): gnomAD exomes 0.00002 and 0.00005; ExAC 0.00010.

Submission:

Labcorp Genetics (formerly Invitae), Labcorp
Classification: Uncertain significance for Autosomal recessive limb-girdle muscular dystrophy type 2E. Last evaluated: 2021-08-28. Review status: criteria provided, single submitter. Criteria: Invitae Variant Classification Sherloc (09022015). Collection method: clinical testing. Allele origin: germline.
Comment: This sequence change replaces glutamine with arginine at codon 148 of the SGCB protein (p.Gln148Arg). The glutamine residue is highly conserved and there is a small physicochemical difference between glutamine and arginine. This variant is present in population databases (rs201006370, ExAC 0.02%). This variant has not been reported in the literature in individuals affected with SGCB-related conditions. Algorithms developed to predict the effect of missense changes on protein structure and function (SIFT, PolyPhen-2, Align-GVGD) all suggest that this variant is likely to be tolerated. In summary, the available evidence is currently insufficient to determine the role of this variant in disease. Therefore, it has been classified as a Variant of Uncertain Significance.